The following is an entry in ClinVar:

NM_002439.5(MSH3):c.433G>T (p.Ala145Ser)

Gene: MSH3 (mutS homolog 3; plus strand). Cytogenetic location: 5q14.1.
Variant type: single nucleotide variant.
Coding change: c.433G>T on transcript NM_002439.5 (MANE Select); coding-DNA position 433, G replaced by T.
Protein change: p.Ala145Ser; replaces alanine 145 with serine.
Molecular consequence: missense variant.
Genome position (GRCh38, 1-based): chr5:80,665,217, G>T. VCF-style: chr5-80665217-G-T. GRCh37 (hg19) VCF-style: chr5-79961036-G-T.
Other names: short protein forms A145S.
Identifiers: ClinVar variation 653380 (VCV000653380.10), dbSNP rs1580546606, ClinGen allele CA360263386.
Genomic context (GRCh38, chr5:80,665,217, plus strand): 5'-CTGAGGACCAGGAATGTTTCAAAGTCTCTGGAAAAATTGAAAGAATTCTGCTGCGATTCT[G>T]CCCTTCCTCAAAGTAGAGTCCAGACAGAATCTCTGCAGGAGAGATTTGCAGTTCTGCCAA-3'
Protein context (NP_002430.3, residues 135-155): EKLKEFCCDS[Ala145Ser]LPQSRVQTES

ClinVar aggregate classification (germline): Uncertain significance. Review status: criteria provided, multiple submitters, no conflicts (2 of 4 stars). 2 submissions from 2 submitters: Uncertain significance (2). Last evaluated 2025-01-30.

Conditions:
Hereditary cancer-predisposing syndrome. Also called: Neoplastic Syndromes, Hereditary; Tumor predisposition; Hereditary Cancer Syndrome; Hereditary neoplastic syndrome. Identifiers: Orphanet 140162, MedGen C0027672, MeSH D009386, MONDO:0015356.

Allele frequency attached by ClinVar (database versions not stated): TOPMed below 0.00001.

Submissions (2):

Labcorp Genetics (formerly Invitae), Labcorp
Classification: Uncertain significance. Last evaluated: 2025-01-30. Review status: criteria provided, single submitter. Criteria: Invitae Variant Classification Sherloc (09022015). Collection method: clinical testing. Allele origin: germline.
Comment: This sequence change replaces alanine, which is neutral and non-polar, with serine, which is neutral and polar, at codon 145 of the MSH3 protein (p.Ala145Ser). This variant is not present in population databases (gnomAD no frequency). This variant has not been reported in the literature in individuals affected with MSH3-related conditions. ClinVar contains an entry for this variant (Variation ID: 653380). An algorithm developed to predict the effect of missense changes on protein structure and function (PolyPhen-2) suggests that this variant is likely to be tolerated. In summary, the available evidence is currently insufficient to determine the role of this variant in disease. Therefore, it has been classified as a Variant of Uncertain Significance.

Sema4
Classification: Uncertain significance for Hereditary cancer-predisposing syndrome. Last evaluated: 2021-08-17. Review status: criteria provided, single submitter. Criteria: Sema4 Curation Guidelines. Collection method: curation. Allele origin: germline.
Comment: To the best of our knowledge, the MSH3 c.433G>T (p.A145S) variant has not been reported in individuals with MSH3-related disease. This variant is not reported in the population database Genome Aggregation Database (PMID: 32461654). The variant has been reported in ClinVar (Variation ID 653380). Functional studies have not been performed, and in silico predictions of the variant's effect on protein function are inconclusive. The evidence is insufficient to meet ACMG/AMP criteria for classifying the variant as benign or pathogenic. Thus, the clinical significance of this variant is currently uncertain.